The following is an entry in ClinVar:

NM_000489.6(ATRX):c.4506G>C (p.Glu1502Asp)

Gene: ATRX (ATRX chromatin remodeler; minus strand). Cytogenetic location: Xq21.1.
Variant type: single nucleotide variant.
Coding change: c.4506G>C on transcript NM_000489.6 (MANE Select); coding-DNA position 4506, G replaced by C.
Protein change: p.Glu1502Asp; replaces glutamic acid 1502 with aspartic acid.
Molecular consequence: missense variant.
Genome position (GRCh38, 1-based): chrX:77,652,165, C>G on the plus strand (G>C on the coding strand, the complement: ATRX is on the minus strand). VCF-style: chrX-77652165-C-G. GRCh37 (hg19) VCF-style: chrX-76907655-C-G.
Other names: c.4392G>C, p.Glu1464Asp (NM_138270.5); short protein forms E1464D, E1502D.
Identifiers: ClinVar variation 4530216 (VCV004530216.1).

ClinVar aggregate classification (somatic clinical impact): Tier I - Strong (1 of 4 stars; one submission).

Conditions:
High-grade astrocytoma with piloid features. Identifiers: MedGen C5670122, MONDO:0858958.

Submission:

Institute for Genomic Medicine (IGM) Clinical Laboratory, Nationwide Children's Hospital
Classification: Tier I - Strong for High-grade astrocytoma with piloid features. Assertion type: diagnostic. Clinical significance: supports diagnosis. Last evaluated: 2023-12-28. Review status: criteria provided, single submitter. Criteria: AMP/ASCO/CAP Guidelines, 2017. Collection method: clinical testing. Allele origin: somatic. Affected: yes.
Comment: Variant has Tier I (strong) clinical significance as a diagnostic inclusion criterion in high-grade astrocytoma with piloid features, based on the following evidence: 1) Appears in one or more well-established professional guidelines (e.g., World Health Organization [WHO]; National Comprehensive Cancer Network [NCCN]) as providing diagnostic, prognostic, or therapeutic information (PMID: 30531922). 2) Diagnostic for a specific tumor type/classification based on well-powered studies with expert-level consensus (Evidence Level B; PMIDs: 28966033, 24705251, 29763623, 28912153, 25219808, 34131647).

Literature cited by the submitters: PubMed 30531922; PubMed 28966033; PubMed 24705251; PubMed 29763623; PubMed 28912153; PubMed 25219808; PubMed 34131647.